The following is an entry in ClinVar:

NM_002617.4(PEX10):c.547T>G (p.Tyr183Asp)

Gene: PEX10 (peroxisomal biogenesis factor 10; minus strand). Cytogenetic location: 1p36.32.
Variant type: single nucleotide variant.
Coding change: c.547T>G on transcript NM_002617.4 (MANE Select); coding-DNA position 547, T replaced by G.
Protein change: p.Tyr183Asp; replaces tyrosine 183 with aspartic acid.
Molecular consequence: missense variant. On other transcripts: non-coding transcript variant (1).
Genome position (GRCh38, 1-based): chr1:2,408,505, A>C on the plus strand (T>G on the coding strand, the complement: PEX10 is on the minus strand). VCF-style: chr1-2408505-A-C. GRCh37 (hg19) VCF-style: chr1-2339944-A-C.
Other names: c.547T>G, p.Tyr183Asp (NM_001374425.1, NM_153818.2); c.115T>G, p.Tyr39Asp (NM_001374426.1, NM_001374427.1); short protein forms Y183D, Y39D.
Identifiers: ClinVar variation 857163 (VCV000857163.5), dbSNP rs780485807, ClinGen allele CA538139.

ClinVar aggregate classification (germline): Uncertain significance. Review status: criteria provided, multiple submitters, no conflicts (2 of 4 stars). 3 submissions from 3 submitters: Uncertain significance (2). 1 of the submissions does not count toward it. Last evaluated 2025-04-01.

Conditions:
Inborn genetic diseases. Identifiers: MedGen C0950123, MeSH D030342.
Peroxisome biogenesis disorder, complementation group 7 (CG7). Also called: Peroxisome biogenesis disorder, complementation group B. Identifiers: MedGen C1864399.
Zellweger spectrum disorders (ZS). Also called: Zellweger Spectrum Disorder (ZSD); Zellweger syndrome; Zellweger Spectrum Disorder; Zellweger Spectrum. Identifiers: Orphanet 912, MedGen C0043459, MONDO:0019609.

Allele frequency attached by ClinVar (database versions not stated): gnomAD exomes 0.00001 and 0.00005; ExAC 0.00005.
gnomAD v4.1: 18 of 1,612,980 alleles (0.0011%); highest among the groups gnomAD compares: South Asian, 0.02%; no homozygotes.

Submissions (3):

Ambry Genetics
Classification: Uncertain significance for Inborn genetic diseases. Last evaluated: 2025-04-01. Review status: criteria provided, single submitter. Criteria: Ambry Variant Classification Scheme 2023. Collection method: clinical testing. Allele origin: germline.

Labcorp Genetics (formerly Invitae), Labcorp
Classification: Uncertain significance for Peroxisome biogenesis disorder, complementation group 7. Last evaluated: 2022-08-19. Review status: criteria provided, single submitter. Criteria: Invitae Variant Classification Sherloc (09022015). Collection method: clinical testing. Allele origin: germline.
Comment: This sequence change replaces tyrosine, which is neutral and polar, with aspartic acid, which is acidic and polar, at codon 183 of the PEX10 protein (p.Tyr183Asp). This variant is present in population databases (rs780485807, gnomAD 0.04%). This variant has not been reported in the literature in individuals affected with PEX10-related conditions. ClinVar contains an entry for this variant (Variation ID: 857163). Algorithms developed to predict the effect of missense changes on protein structure and function (SIFT, PolyPhen-2, Align-GVGD) all suggest that this variant is likely to be disruptive. In summary, the available evidence is currently insufficient to determine the role of this variant in disease. Therefore, it has been classified as a Variant of Uncertain Significance.

Natera, Inc.
Classification: Uncertain significance for Zellweger syndrome. Last evaluated: 2020-02-21. Review status: no assertion criteria provided. Collection method: clinical testing. Allele origin: germline. Not counted in ClinVar's aggregate classification.